The following is an entry in ClinVar:

NM_014339.7(IL17RA):c.2245G>C (p.Glu749Gln)

Gene: IL17RA (interleukin 17 receptor A; plus strand). Cytogenetic location: 22q11.1.
Variant type: single nucleotide variant.
Coding change: c.2245G>C on transcript NM_014339.7 (MANE Select); coding-DNA position 2245, G replaced by C.
Protein change: p.Glu749Gln; replaces glutamic acid 749 with glutamine.
Molecular consequence: missense variant.
Genome position (GRCh38, 1-based): chr22:17,109,464, G>C. VCF-style: chr22-17109464-G-C. GRCh37 (hg19) VCF-style: chr22-17590354-G-C.
Other names: c.2143G>C, p.Glu715Gln (NM_001289905.2); short protein forms E715Q, E749Q.
Identifiers: ClinVar variation 2070863 (VCV002070863.4), dbSNP rs779004550, ClinGen allele CA410221475.
Genomic context (GRCh38, chr22:17,109,464, plus strand): 5'-GGCAGCAGCACCCCCATGGCGTCTCCTGACCTCCTTCCAGAGGACGTGAGGGAGCACCTC[G>C]AAGGCTTGATGCTCTCGCTCTTCGAGCAGAGTCTGAGCTGCCAGGCCCAGGGGGGCTGCA-3'
Protein context (NP_055154.3, residues 739-759): LLPEDVREHL[Glu749Gln]GLMLSLFEQS

ClinVar aggregate classification (germline): Uncertain significance (1 of 4 stars; one submission).

Conditions:
Immunodeficiency 51 (IMD51). Also called: CANDIDIASIS, FAMILIAL, 5. Identifiers: Orphanet 1334, MedGen C4310803, MONDO:0013500, OMIM 613953.

Submission:

Labcorp Genetics (formerly Invitae), Labcorp
Classification: Uncertain significance for Immunodeficiency 51. Last evaluated: 2022-08-05. Review status: criteria provided, single submitter. Criteria: Invitae Variant Classification Sherloc (09022015). Collection method: clinical testing. Allele origin: germline.
Comment: In summary, the available evidence is currently insufficient to determine the role of this variant in disease. Therefore, it has been classified as a Variant of Uncertain Significance. Algorithms developed to predict the effect of missense changes on protein structure and function are either unavailable or do not agree on the potential impact of this missense change (SIFT: "Tolerated"; PolyPhen-2: "Possibly Damaging"; Align-GVGD: "Class C0"). This variant has not been reported in the literature in individuals affected with IL17RA-related conditions. This variant is not present in population databases (gnomAD no frequency). This sequence change replaces glutamic acid, which is acidic and polar, with glutamine, which is neutral and polar, at codon 749 of the IL17RA protein (p.Glu749Gln).